The following is an entry in ClinVar:

ClinVar aggregate classification (germline): Uncertain significance. Review status: criteria provided, multiple submitters, no conflicts (2 of 4 stars). 2 submissions from 2 submitters: Uncertain significance (2). Last evaluated 2024-09-09.

Conditions:
Inborn genetic diseases. Identifiers: MedGen C0950123, MeSH D030342.

Submissions (2):

Ambry Genetics
Classification: Uncertain significance for Inborn genetic diseases. Last evaluated: 2024-09-09. Review status: criteria provided, single submitter. Criteria: Ambry Variant Classification Scheme 2023. Collection method: clinical testing. Allele origin: germline.

GeneDx
Classification: Uncertain significance. Last evaluated: 2023-02-14. Review status: criteria provided, single submitter. Criteria: GeneDx Variant Classification Process June 2021. Collection method: clinical testing. Allele origin: germline.
Comment: Not observed at significant frequency in large population cohorts (gnomAD); In silico analysis supports that this missense variant has a deleterious effect on protein structure/function; Has not been previously published as pathogenic or benign to our knowledge

NM_001378452.1(ITPR1):c.1067T>G (p.Val356Gly)

Gene: ITPR1 (inositol 1,4,5-trisphosphate receptor type 1; plus strand). Cytogenetic location: 3p26.1.
Variant type: single nucleotide variant.
Coding change: c.1067T>G on transcript NM_001378452.1 (MANE Select); coding-DNA position 1067, T replaced by G.
Protein change: p.Val356Gly; replaces valine 356 with glycine.
Molecular consequence: missense variant.
Genome position (GRCh38, 1-based): chr3:4,658,194, T>G. VCF-style: chr3-4658194-T-G. GRCh37 (hg19) VCF-style: chr3-4699878-T-G.
Other names: c.1067T>G, p.Val356Gly (NM_001099952.4); c.1022T>G, p.Val341Gly (NM_001168272.2, NM_002222.7); short protein forms V341G, V356G.
Identifiers: ClinVar variation 2413072 (VCV002413072.5), dbSNP rs2470682745, ClinGen allele CA351639734.